The following is an entry in ClinVar:

ClinVar aggregate classification (germline): Uncertain significance (1 of 4 stars; one submission).

Conditions:
Brain small vessel disease 2A, autosomal dominant. Also called: Porencephaly 2. Identifiers: Orphanet 2940, Orphanet 99810, MedGen C3280970, MONDO:0013773, OMIM 614483.

Submission:

3billion
Classification: Uncertain significance for Brain small vessel disease 2A, autosomal dominant. Last evaluated: 2024-11-17. Review status: criteria provided, single submitter. Criteria: ACMG Guidelines, 2015. Collection method: clinical testing. Allele origin: germline. Affected: yes.
Comment: The variant is not observed in the gnomAD v4.1.0 dataset. Predicted Consequence/Location: Missense variant In silico tool predictions suggest damaging effect of the variant on gene or gene product [REVEL: 0.93 (>=0.6, sensitivity 0.68 and specificity 0.92)]. A different missense change at the same codon (p.Gly821Cys) has been reported to be associated with COL4A2 related disorder (PMID: 34120799). However the evidence of pathogenicity is insufficient at this time. Therefore, this variant is classified as VUS according to the recommendation of ACMG/AMP guideline.

Literature cited by the submitters: PubMed 34120799.

NM_001846.4(COL4A2):c.2462G>A (p.Gly821Asp)

Gene: COL4A2 (collagen type IV alpha 2 chain; plus strand). Cytogenetic location: 13q34.
Variant type: single nucleotide variant.
Coding change: c.2462G>A on transcript NM_001846.4 (MANE Select); coding-DNA position 2462, G replaced by A.
Protein change: p.Gly821Asp; replaces glycine 821 with aspartic acid.
Molecular consequence: missense variant.
Genome position (GRCh38, 1-based): chr13:110,478,039, G>A. VCF-style: chr13-110478039-G-A. GRCh37 (hg19) VCF-style: chr13-111130386-G-A.
Other names: short protein forms G821D.
Identifiers: ClinVar variation 4293420 (VCV004293420.1).